The following is an entry in ClinVar:

NM_000443.4(ABCB4):c.1147A>G (p.Arg383Gly)

Gene: ABCB4 (ATP binding cassette subfamily B member 4; minus strand). Cytogenetic location: 7q21.12.
Variant type: single nucleotide variant.
Coding change: c.1147A>G on transcript NM_000443.4 (MANE Select); coding-DNA position 1147, A replaced by G.
Protein change: p.Arg383Gly; replaces arginine 383 with glycine.
Molecular consequence: missense variant.
Genome position (GRCh38, 1-based): chr7:87,443,746, T>C on the plus strand (A>G on the coding strand, the complement: ABCB4 is on the minus strand). VCF-style: chr7-87443746-T-C. GRCh37 (hg19) VCF-style: chr7-87073062-T-C.
Other names: c.1147A>G, p.Arg383Gly (NM_018849.3, NM_018850.3); short protein forms R383G.
Identifiers: ClinVar variation 4982183 (VCV004982183.1).

ClinVar aggregate classification (germline): Uncertain significance (1 of 4 stars; one submission).

Conditions:
ABCB4-related disorder. Also called: ABCB4-related disorders; ABCB4-related condition.

Submission:

PreventionGenetics, part of Exact Sciences
Classification: Uncertain significance for ABCB4-related condition. Last evaluated: 2025-09-05. Review status: criteria provided, single submitter. Criteria: ACMG Guidelines, 2015. Collection method: clinical testing. Allele origin: germline.
Comment: The ABCB4 c.1147A>G variant is predicted to result in the amino acid substitution p.Arg383Gly. To our knowledge, this variant has not been reported in the literature or in a large population database (gnomAD), indicating this variant is rare. At this time, the clinical significance of this variant is uncertain due to the absence of conclusive functional and genetic evidence.